The following is an entry in ClinVar:

ClinVar aggregate classification (germline): Uncertain significance (1 of 4 stars; one submission).

Conditions:
Hereditary cancer-predisposing syndrome. Also called: Neoplastic Syndromes, Hereditary; Tumor predisposition; Hereditary Cancer Syndrome; Hereditary neoplastic syndrome. Identifiers: Orphanet 140162, MedGen C0027672, MeSH D009386, MONDO:0015356.

Submission:

Ambry Genetics
Classification: Uncertain significance for Hereditary cancer-predisposing syndrome. Last evaluated: 2020-09-25. Review status: criteria provided, single submitter. Criteria: Ambry Variant Classification Scheme 2023. Collection method: clinical testing. Allele origin: germline.
Comment: The p.Q1285* variant (also known as c.3853C>T), located in coding exon 23 of the PTCH1 gene, results from a C to T substitution at nucleotide position 3853. This changes the amino acid from a glutamine to a stop codon within coding exon 23. This alteration occurs at the 3' terminus of PTCH1 gene, is not expected to trigger nonsense-mediated mRNAdecay, and only impacts the last 13% of the protein. The exact functional effect of this alteration is unknown. Since supporting evidence is limited at this time, the clinical significance of this alteration remains unclear.

NM_000264.5(PTCH1):c.3853C>T (p.Gln1285Ter)

Gene: PTCH1 (patched 1; minus strand). Cytogenetic location: 9q22.32.
Variant type: single nucleotide variant.
Coding change: c.3853C>T on transcript NM_000264.5 (MANE Select); coding-DNA position 3853, C replaced by T.
Protein change: p.Gln1285Ter; replaces glutamine 1285 with a stop codon.
Molecular consequence: nonsense. On other transcripts: non-coding transcript variant (1).
Genome position (GRCh38, 1-based): chr9:95,447,403, G>A on the plus strand (C>T on the coding strand, the complement: PTCH1 is on the minus strand). VCF-style: chr9-95447403-G-A. GRCh37 (hg19) VCF-style: chr9-98209685-G-A.
Other names: c.3655C>T, p.Gln1219Ter (NM_001083602.3); c.3850C>T, p.Gln1284Ter (NM_001083603.3); c.3400C>T, p.Gln1134Ter (NM_001083604.3, NM_001083605.3, NM_001083606.3 and 1 more transcripts); c.3697C>T, p.Gln1233Ter (NM_001354918.2); short protein forms Q1134*, Q1233*, Q1219*, Q1284*, Q1285*.
Identifiers: ClinVar variation 1735541 (VCV001735541.2), dbSNP rs1216794003, ClinGen allele CA374110789.